The following is an entry in ClinVar:

NM_032776.3(JMJD1C):c.2644A>G (p.Lys882Glu)

Gene: JMJD1C (jumonji domain containing 1C; minus strand). Cytogenetic location: 10q21.3.
Variant type: single nucleotide variant.
Coding change: c.2644A>G on transcript NM_032776.3 (MANE Select); coding-DNA position 2644, A replaced by G.
Protein change: p.Lys882Glu; replaces lysine 882 with glutamic acid.
Molecular consequence: missense variant. On other transcripts: non-coding transcript variant (1).
Genome position (GRCh38, 1-based): chr10:63,213,523, T>C on the plus strand (A>G on the coding strand, the complement: JMJD1C is on the minus strand). VCF-style: chr10-63213523-T-C. GRCh37 (hg19) VCF-style: chr10-64973283-T-C.
Other names: c.2098A>G, p.Lys700Glu (NM_001282948.2, NM_001318154.2); c.1780A>G, p.Lys594Glu (NM_001318153.2); c.2530A>G, p.Lys844Glu (NM_001322252.2); c.1987A>G, p.Lys663Glu (NM_001322254.2, NM_001322258.2); short protein forms K663E, K882E, K594E, K700E, K844E.
Identifiers: ClinVar variation 2887121 (VCV002887121.3), dbSNP rs773011484, ClinGen allele CA5518596.
Genomic context (GRCh38, chr10:63,213,523, plus strand): 5'-TGTAACTTACCCTCCTTAATGAAGCTTCAGCATTAACTGCATTTTCTGGGTGAACCCACT[T>C]AGAAGAAGGCAAACCAAGTCCTGAGTATGCATGTGTTCCATTTGGATACTGCCAAATAAT-3'
Protein context (NP_116165.1, residues 872-892): AYSGLGLPSS[Lys882Glu]WVHPENAVNA

ClinVar aggregate classification (germline): Uncertain significance (1 of 4 stars; one submission).

Conditions:
Early Myoclonic Encephalopathy. Identifiers: MedGen C0270855.

Allele frequency attached by ClinVar (database versions not stated): gnomAD exomes below 0.00001; ExAC 0.00001.
gnomAD v4.1: 1 of 1,608,644 alleles (0.000062%); no homozygotes.

Submission:

Labcorp Genetics (formerly Invitae), Labcorp
Classification: Uncertain significance for Early Myoclonic Encephalopathy. Last evaluated: 2023-09-19. Review status: criteria provided, single submitter. Criteria: Invitae Variant Classification Sherloc (09022015). Collection method: clinical testing. Allele origin: germline.
Comment: In summary, the available evidence is currently insufficient to determine the role of this variant in disease. Therefore, it has been classified as a Variant of Uncertain Significance. Advanced modeling of protein sequence and biophysical properties (such as structural, functional, and spatial information, amino acid conservation, physicochemical variation, residue mobility, and thermodynamic stability) performed at Invitae indicates that this missense variant is expected to disrupt JMJD1C protein function. This variant has not been reported in the literature in individuals affected with JMJD1C-related conditions. This variant is present in population databases (rs773011484, gnomAD 0.01%). This sequence change replaces lysine, which is basic and polar, with glutamic acid, which is acidic and polar, at codon 882 of the JMJD1C protein (p.Lys882Glu).